The following is an entry in ClinVar:

NM_002206.3(ITGA7):c.1241A>C (p.Tyr414Ser)

Gene: ITGA7 (integrin subunit alpha 7; minus strand). Cytogenetic location: 12q13.2.
Variant type: single nucleotide variant.
Coding change: c.1241A>C on transcript NM_002206.3 (MANE Select); coding-DNA position 1241, A replaced by C.
Protein change: p.Tyr414Ser; replaces tyrosine 414 with serine.
Molecular consequence: missense variant. On other transcripts: 5 prime UTR variant (1).
Genome position (GRCh38, 1-based): chr12:55,697,978, T>G on the plus strand (A>C on the coding strand, the complement: ITGA7 is on the minus strand). VCF-style: chr12-55697978-T-G. GRCh37 (hg19) VCF-style: chr12-56091762-T-G.
Other names: c.1253A>C, p.Tyr418Ser (NM_001144996.2, NM_001414029.1); c.962A>C, p.Tyr321Ser (NM_001144997.2); c.914A>C, p.Tyr305Ser (NM_001367993.1); c.-52A>C (NM_001367994.1); c.1241A>C, p.Tyr414Ser (NM_001374465.1, NM_001414034.1); c.1373A>C, p.Tyr458Ser (NM_001410977.1); c.1166A>C, p.Tyr389Ser (NM_001414030.1); c.1154A>C, p.Tyr385Ser (NM_001414031.1); and 3 more; short protein forms Y353S, Y374S, Y321S, Y385S, Y458S, Y305S, Y418S, Y301S.
Identifiers: ClinVar variation 2867072 (VCV002867072.3), dbSNP rs2539795357, ClinGen allele CA385189875.

ClinVar aggregate classification (germline): Uncertain significance (1 of 4 stars; one submission).

Conditions:
Congenital muscular dystrophy due to integrin alpha-7 deficiency. Also called: MYOPATHY, CONGENITAL, DUE TO INTEGRIN ALPHA-7 DEFICIENCY; Congenital muscular dystrophy with integrin alpha-7 deficiency; Muscular dystrophy, congenital, due to ITGA7 deficiency. Identifiers: Orphanet 34520, MedGen C2750786, MONDO:0013177, OMIM 613204.

Allele frequency attached by ClinVar (database versions not stated): gnomAD exomes below 0.00001.
gnomAD v4.1: 1 of 1,614,124 alleles (0.000062%); highest among the groups gnomAD compares: Non-Finnish European, 0.000085%; no homozygotes.

Submission:

Labcorp Genetics (formerly Invitae), Labcorp
Classification: Uncertain significance for Congenital muscular dystrophy due to integrin alpha-7 deficiency. Last evaluated: 2023-05-22. Review status: criteria provided, single submitter. Criteria: Invitae Variant Classification Sherloc (09022015). Collection method: clinical testing. Allele origin: germline.
Comment: This sequence change replaces tyrosine, which is neutral and polar, with serine, which is neutral and polar, at codon 414 of the ITGA7 protein (p.Tyr414Ser). This variant is not present in population databases (gnomAD no frequency). This variant has not been reported in the literature in individuals affected with ITGA7-related conditions. Advanced modeling of protein sequence and biophysical properties (such as structural, functional, and spatial information, amino acid conservation, physicochemical variation, residue mobility, and thermodynamic stability) performed at Invitae indicates that this missense variant is expected to disrupt ITGA7 protein function. In summary, the available evidence is currently insufficient to determine the role of this variant in disease. Therefore, it has been classified as a Variant of Uncertain Significance.